The following is an entry in ClinVar:

ClinVar aggregate classification (germline): Uncertain significance (1 of 4 stars; one submission).

Allele frequency attached by ClinVar (database versions not stated): ExAC 0.00001; gnomAD 0.00001; gnomAD exomes 0.00001.
gnomAD v4.1: 12 of 1,610,528 alleles (0.00075%); highest among the groups gnomAD compares: Admixed American, 0.0033%; no homozygotes.

Submission:

Labcorp Genetics (formerly Invitae), Labcorp
Classification: Uncertain significance. Last evaluated: 2023-07-07. Review status: criteria provided, single submitter. Criteria: Invitae Variant Classification Sherloc (09022015). Collection method: clinical testing. Allele origin: germline.
Comment: In summary, the available evidence is currently insufficient to determine the role of this variant in disease. Therefore, it has been classified as a Variant of Uncertain Significance. Advanced modeling of protein sequence and biophysical properties (such as structural, functional, and spatial information, amino acid conservation, physicochemical variation, residue mobility, and thermodynamic stability) has been performed at Invitae for this missense variant, however the output from this modeling did not meet the statistical confidence thresholds required to predict the impact of this variant on P3H2 protein function. ClinVar contains an entry for this variant (Variation ID: 1525018). This variant has not been reported in the literature in individuals affected with P3H2-related conditions. This variant is present in population databases (rs754669189, gnomAD 0.006%). This sequence change replaces arginine, which is basic and polar, with glycine, which is neutral and non-polar, at codon 148 of the P3H2 protein (p.Arg148Gly).

NM_018192.4(P3H2):c.442A>G (p.Arg148Gly)

Gene: P3H2 (prolyl 3-hydroxylase 2; minus strand). Cytogenetic location: 3q28.
Variant type: single nucleotide variant.
Coding change: c.442A>G on transcript NM_018192.4 (MANE Select); coding-DNA position 442, A replaced by G.
Protein change: p.Arg148Gly; replaces arginine 148 with glycine.
Molecular consequence: missense variant. On other transcripts: intron variant (1).
Genome position (GRCh38, 1-based): chr3:190,120,290, T>C on the plus strand (A>G on the coding strand, the complement: P3H2 is on the minus strand). VCF-style: chr3-190120290-T-C. GRCh37 (hg19) VCF-style: chr3-189838079-T-C.
Other names: c.-64+1913A>G (NM_001134418.2); short protein forms R148G.
Identifiers: ClinVar variation 1525018 (VCV001525018.8), dbSNP rs754669189, ClinGen allele CA2753371.